The following is an entry in ClinVar:

ClinVar aggregate classification (germline): Uncertain significance (1 of 4 stars; one submission).

Conditions:
Bethlem myopathy 1A. Also called: Bethlem Muscular Dystrophy; MYOPATHY, BENIGN CONGENITAL, WITH CONTRACTURES; Bethlem myopathy 1. Identifiers: Orphanet 610, MedGen CN029274, MONDO:0024530, OMIM 158810.

Allele frequency attached by ClinVar (database versions not stated): gnomAD exomes below 0.00001; ExAC 0.00001.
gnomAD v4.1: 4 of 1,612,822 alleles (0.00025%); highest among the groups gnomAD compares: South Asian, 0.0011%; no homozygotes.

Submission:

Labcorp Genetics (formerly Invitae), Labcorp
Classification: Uncertain significance for Bethlem myopathy 1A. Last evaluated: 2020-02-28. Review status: criteria provided, single submitter. Criteria: Invitae Variant Classification Sherloc (09022015). Collection method: clinical testing. Allele origin: germline.
Comment: In summary, the available evidence is currently insufficient to determine the role of this variant in disease. Therefore, it has been classified as a Variant of Uncertain Significance. Glycine residues within the Gly-Xaa-Yaa repeats of the triple helix domain are required for the structure and stability of fibrillar collagens (PMID: 7695699, 8218237, 19344236). In COL6A1, missense variants at these glycine residues are significantly enriched in individuals with disease (PMID: 15689448, 24038877) compared to the general population (ExAC). Algorithms developed to predict the effect of missense changes on protein structure and function (SIFT, PolyPhen-2, Align-GVGD) all suggest that this variant is likely to be disruptive, but these predictions have not been confirmed by published functional studies and their clinical significance is uncertain. This variant has not been reported in the literature in individuals with COL6A1-related conditions. This variant is present in population databases (rs766667205, ExAC 0.02%). This sequence change replaces glycine with arginine at codon 473 of the COL6A1 protein (p.Gly473Arg). The glycine residue is highly conserved and there is a moderate physicochemical difference between glycine and arginine.

Literature cited by the submitters: PubMed 7695699; PubMed 8218237; PubMed 19344236; PubMed 15689448; PubMed 24038877.

NM_001848.3(COL6A1):c.1417G>A (p.Gly473Arg)

Gene: COL6A1 (collagen type VI alpha 1 chain; plus strand). Cytogenetic location: 21q22.3.
Variant type: single nucleotide variant.
Coding change: c.1417G>A on transcript NM_001848.3 (MANE Select); coding-DNA position 1417, G replaced by A.
Protein change: p.Gly473Arg; replaces glycine 473 with arginine.
Molecular consequence: missense variant.
Genome position (GRCh38, 1-based): chr21:45,997,439, G>A. VCF-style: chr21-45997439-G-A. GRCh37 (hg19) VCF-style: chr21-47417353-G-A.
Other names: short protein forms G473R.
Identifiers: ClinVar variation 1017697 (VCV001017697.9), dbSNP rs766667205, ClinGen allele CA10070298.